The following is an entry in ClinVar:

ClinVar aggregate classification (germline): Uncertain significance (1 of 4 stars; one submission).

Conditions:
Progressive sclerosing poliodystrophy (MTDPS4A). Also called: ALPERS PROGRESSIVE INFANTILE POLIODYSTROPHY; NEURONAL DEGENERATION OF CHILDHOOD WITH LIVER DISEASE, PROGRESSIVE; Alpers Syndrome; ALPERS DIFFUSE DEGENERATION OF CEREBRAL GRAY MATTER WITH HEPATIC CIRRHOSIS; Alpers-Huttenlocher Syndrome; Mitochondrial DNA depletion syndrome 4A (Alpers type). Identifiers: Orphanet 726, MedGen C0205710, MONDO:0008758, OMIM 203700.

Submission:

Labcorp Genetics (formerly Invitae), Labcorp
Classification: Uncertain significance for Progressive sclerosing poliodystrophy. Last evaluated: 2024-04-25. Review status: criteria provided, single submitter. Criteria: Invitae Variant Classification Sherloc (09022015). Collection method: clinical testing. Allele origin: germline.
Comment: This sequence change replaces histidine, which is basic and polar, with arginine, which is basic and polar, at codon 320 of the POLG protein (p.His320Arg). This variant is not present in population databases (gnomAD no frequency). This variant has not been reported in the literature in individuals affected with POLG-related conditions. Advanced modeling of protein sequence and biophysical properties (such as structural, functional, and spatial information, amino acid conservation, physicochemical variation, residue mobility, and thermodynamic stability) performed at Invitae indicates that this missense variant is not expected to disrupt POLG protein function with a negative predictive value of 95%. In summary, the available evidence is currently insufficient to determine the role of this variant in disease. Therefore, it has been classified as a Variant of Uncertain Significance.

NM_002693.3(POLG):c.959A>G (p.His320Arg)

Gene: POLG (DNA polymerase gamma, catalytic subunit; minus strand). Cytogenetic location: 15q26.1.
Variant type: single nucleotide variant.
Coding change: c.959A>G on transcript NM_002693.3 (MANE Select); coding-DNA position 959, A replaced by G.
Protein change: p.His320Arg; replaces histidine 320 with arginine.
Molecular consequence: missense variant.
Genome position (GRCh38, 1-based): chr15:89,329,007, T>C on the plus strand (A>G on the coding strand, the complement: POLG is on the minus strand). VCF-style: chr15-89329007-T-C. GRCh37 (hg19) VCF-style: chr15-89872238-T-C.
Other names: c.959A>G, p.His320Arg (NM_001126131.2); short protein forms H320R.
Identifiers: ClinVar variation 3695114 (VCV003695114.2).